The following is an entry in ClinVar:

ClinVar aggregate classification (germline): Uncertain significance (1 of 4 stars; one submission).

Conditions:
Inborn genetic diseases. Identifiers: MedGen C0950123, MeSH D030342.

Submission:

Ambry Genetics
Classification: Uncertain significance for Inborn genetic diseases. Last evaluated: 2026-05-13. Review status: criteria provided, single submitter. Criteria: Ambry Variant Classification Scheme 2023. Collection method: clinical testing. Allele origin: germline.
Comment: The p.E477G variant (also known as c.1430A>G), located in coding exon 6 of the MBD4 gene, results from an A to G substitution at nucleotide position 1430. The glutamic acid at codon 477 is replaced by glycine, an amino acid with similar properties. This amino acid position is well conserved in available vertebrate species. In addition, the in silico prediction for this alteration is inconclusive. Based on the available evidence, the clinical significance of this variant remains unclear.

NM_001276270.2(MBD4):c.1430A>G (p.Glu477Gly)

Gene: MBD4 (methyl-CpG binding domain 4, DNA glycosylase; minus strand). Cytogenetic location: 3q21.3.
Variant type: single nucleotide variant.
Coding change: c.1430A>G on transcript NM_001276270.2 (MANE Select); coding-DNA position 1430, A replaced by G.
Protein change: p.Glu477Gly; replaces glutamic acid 477 with glycine.
Molecular consequence: missense variant.
Genome position (GRCh38, 1-based): chr3:129,433,211, T>C on the plus strand (A>G on the coding strand, the complement: MBD4 is on the minus strand). VCF-style: chr3-129433211-T-C. GRCh37 (hg19) VCF-style: chr3-129152054-T-C.
Other names: c.1448A>G, p.Glu483Gly (NM_001276271.2, NM_001276272.2, NM_003925.3); c.494A>G, p.Glu165Gly (NM_001276273.2); short protein forms E165G, E477G, E483G.
Identifiers: ClinVar variation 4859605 (VCV004859605.1).